The following is an entry in ClinVar:

ClinVar aggregate classification (germline): Likely benign (1 of 4 stars; one submission).

gnomAD v4.1: 10 of 1,613,718 alleles (0.00062%); highest among the groups gnomAD compares: Non-Finnish European, 0.00085%; no homozygotes.

Submission:

CeGaT Center for Human Genetics Tuebingen
Classification: Likely benign. Last evaluated: 2026-01-01. Review status: criteria provided, single submitter. Criteria: CeGaT Center For Human Genetics Tuebingen Variant Classification Criteria Version 2. Collection method: clinical testing. Allele origin: germline. Affected: yes. Observed: 1 variant allele.
Comment: TRIO: BP4, BP7

NM_007118.4(TRIO):c.8244C>A (p.Gly2748=)

Genes: TRIO (trio Rho guanine nucleotide exchange factor; plus strand), LOC126807323 (CDK7 strongly-dependent group 2 enhancer GRCh37_chr5:14497716-14498915; plus strand). Cytogenetic location: 5p15.2.
Variant type: single nucleotide variant.
Coding change: c.8244C>A on transcript NM_007118.4 (MANE Select); coding-DNA position 8244, C replaced by A.
Protein change: p.Gly2748=; no amino-acid change (glycine 2748 retained).
Molecular consequence: synonymous variant. On other transcripts: non-coding transcript variant (1).
Genome position (GRCh38, 1-based): chr5:14,498,552, C>A. VCF-style: chr5-14498552-C-A. GRCh37 (hg19) VCF-style: chr5-14498661-C-A.
Identifiers: ClinVar variation 4822146 (VCV004822146.4).